The following is an entry in ClinVar:

NM_152703.5(SAMD9L):c.2611G>A (p.Ala871Thr)

Gene: SAMD9L (sterile alpha motif domain containing 9 like; minus strand). Cytogenetic location: 7q21.2.
Variant type: single nucleotide variant.
Coding change: c.2611G>A on transcript NM_152703.5 (MANE Select); coding-DNA position 2611, G replaced by A.
Protein change: p.Ala871Thr; replaces alanine 871 with threonine.
Molecular consequence: missense variant.
Genome position (GRCh38, 1-based): chr7:93,133,361, C>T on the plus strand (G>A on the coding strand, the complement: SAMD9L is on the minus strand). VCF-style: chr7-93133361-C-T. GRCh37 (hg19) VCF-style: chr7-92762674-C-T.
Other names: c.2611G>A, p.Ala871Thr (NM_001303496.3, NM_001303497.3, NM_001303498.3 and 5 more transcripts); c.2611G>A (NM_152703.2); short protein forms A871T.
Identifiers: ClinVar variation 2444749 (VCV002444749.2), dbSNP rs974105795, ClinGen allele CA161960162.

ClinVar aggregate classification (germline): Uncertain significance. Review status: criteria provided, multiple submitters, no conflicts (2 of 4 stars). 2 submissions from 2 submitters: Uncertain significance (2). Last evaluated 2024-11-30.

Conditions:
Inborn genetic diseases. Identifiers: MedGen C0950123, MeSH D030342.

Allele frequency attached by ClinVar (database versions not stated): TOPMed 0.00001.

Submissions (2):

Ambry Genetics
Classification: Uncertain significance for Inborn genetic diseases. Last evaluated: 2024-11-30. Review status: criteria provided, single submitter. Criteria: Ambry Variant Classification Scheme 2023. Collection method: clinical testing. Allele origin: germline.
Comment: The p.A871T variant (also known as c.2611G>A), located in coding exon 1 of the SAMD9L gene, results from a G to A substitution at nucleotide position 2611. The alanine at codon 871 is replaced by threonine, an amino acid with similar properties. This amino acid position is conserved. In addition, this alteration is predicted to be tolerated by in silico analysis. Based on the available evidence, the clinical significance of this variant remains unclear.

GeneDx
Classification: Uncertain significance. Last evaluated: 2022-09-15. Review status: criteria provided, single submitter. Criteria: GeneDx Variant Classification Process June 2021. Collection method: clinical testing. Allele origin: germline. Affected: yes.
Comment: Not observed at significant frequency in large population cohorts (gnomAD); In silico analysis supports that this missense variant does not alter protein structure/function; Has not been previously published as pathogenic or benign to our knowledge; This variant is associated with the following publications: (PMID: 28545555)